The following is an entry in ClinVar:

NM_147127.5(EVC2):c.2440G>A (p.Ala814Thr)

Gene: EVC2 (EvC ciliary complex subunit 2; minus strand). Cytogenetic location: 4p16.2.
Variant type: single nucleotide variant.
Coding change: c.2440G>A on transcript NM_147127.5 (MANE Select); coding-DNA position 2440, G replaced by A.
Protein change: p.Ala814Thr; replaces alanine 814 with threonine.
Molecular consequence: missense variant.
Genome position (GRCh38, 1-based): chr4:5,622,598, C>T on the plus strand (G>A on the coding strand, the complement: EVC2 is on the minus strand). VCF-style: chr4-5622598-C-T. GRCh37 (hg19) VCF-style: chr4-5624325-C-T.
Other names: c.2200G>A, p.Ala734Thr (NM_001166136.2); short protein forms A734T, A814T.
Identifiers: ClinVar variation 4995446 (VCV004995446.1).

ClinVar aggregate classification (germline): Uncertain significance (1 of 4 stars; one submission).

Conditions:
EVC2-related disorder. Also called: EVC2-related condition.

gnomAD v4.1: 35 of 1,613,854 alleles (0.0022%); highest among the groups gnomAD compares: Admixed American, 0.0067%; no homozygotes.

Submission:

PreventionGenetics, part of Exact Sciences
Classification: Uncertain significance for EVC2-related condition. Last evaluated: 2026-09-01. Review status: criteria provided, single submitter. Criteria: ACMG Guidelines, 2015. Collection method: clinical testing. Allele origin: germline.
Comment: The EVC2 c.2440G>A variant is predicted to result in the amino acid substitution p.Ala814Thr. To our knowledge, this variant has not been reported in the literature. This variant is reported in 0.0085% of alleles in individuals of Latino descent in gnomAD. At this time, the clinical significance of this variant is uncertain due to the absence of conclusive functional and genetic evidence.